The following is an entry in ClinVar:

NM_000204.5(CFI):c.1193A>G (p.Asp398Gly)

Gene: CFI (complement factor I; minus strand). Cytogenetic location: 4q25.
Variant type: single nucleotide variant.
Coding change: c.1193A>G on transcript NM_000204.5 (MANE Select); coding-DNA position 1193, A replaced by G.
Protein change: p.Asp398Gly; replaces aspartic acid 398 with glycine.
Molecular consequence: missense variant. On other transcripts: non-coding transcript variant (2).
Genome position (GRCh38, 1-based): chr4:109,746,458, T>C on the plus strand (A>G on the coding strand, the complement: CFI is on the minus strand). VCF-style: chr4-109746458-T-C. GRCh37 (hg19) VCF-style: chr4-110667614-T-C.
Other names: c.1217A>G, p.Asp406Gly (NM_001318057.2, NM_001375278.1); c.1172A>G, p.Asp391Gly (NM_001331035.2, NM_001375280.1, NM_001375282.1); c.1193A>G, p.Asp398Gly (NM_001375279.1, NM_001375281.1); c.1136A>G, p.Asp379Gly (NM_001375283.1); c.584A>G, p.Asp195Gly (NM_001375284.1); short protein forms D379G, D195G, D391G, D398G, D406G.
Identifiers: ClinVar variation 2794689 (VCV002794689.2), dbSNP rs746051890, ClinGen allele CA3041978.

ClinVar aggregate classification (germline): Uncertain significance (1 of 4 stars; one submission).

Allele frequency attached by ClinVar (database versions not stated): gnomAD exomes below 0.00001; ExAC 0.00001; TOPMed 0.00001.
gnomAD v4.1: 2 of 1,613,592 alleles (0.00012%); highest among the groups gnomAD compares: Admixed American, 0.0033%; no homozygotes.

Submission:

Labcorp Genetics (formerly Invitae), Labcorp
Classification: Uncertain significance. Last evaluated: 2023-06-17. Review status: criteria provided, single submitter. Criteria: Invitae Variant Classification Sherloc (09022015). Collection method: clinical testing. Allele origin: germline.
Comment: Advanced modeling of protein sequence and biophysical properties (such as structural, functional, and spatial information, amino acid conservation, physicochemical variation, residue mobility, and thermodynamic stability) performed at Invitae indicates that this missense variant is expected to disrupt CFI protein function. This variant has not been reported in the literature in individuals affected with CFI-related conditions. This variant is present in population databases (rs746051890, gnomAD 0.006%). This sequence change replaces aspartic acid, which is acidic and polar, with glycine, which is neutral and non-polar, at codon 398 of the CFI protein (p.Asp398Gly). In summary, the available evidence is currently insufficient to determine the role of this variant in disease. Therefore, it has been classified as a Variant of Uncertain Significance.